The following is an entry in ClinVar:

ClinVar aggregate classification (germline): Likely pathogenic (1 of 4 stars; one submission).

Conditions:
Bardet-Biedl syndrome (BBS). Identifiers: Orphanet 110, MedGen C0752166, MONDO:0015229.
McKusick-Kaufman syndrome (MKKS). Also called: HYDROMETROCOLPOS SYNDROME; HYDROMETROCOLPOS, POSTAXIAL POLYDACTYLY, AND CONGENITAL HEART MALFORMATION. Identifiers: Orphanet 2473, MedGen C0948368, MONDO:0009367, OMIM 236700.

Allele frequency attached by ClinVar (database versions not stated): gnomAD 0.00001; gnomAD exomes 0.00001 and 0.00003; ExAC 0.00003; TOPMed 0.00003; 1000 Genomes Project 30x 0.00016; 1000 Genomes Project 0.00020.
gnomAD v4.1: 19 of 1,613,366 alleles (0.0012%); highest among the groups gnomAD compares: South Asian, 0.0033%; no homozygotes.

Submission:

Labcorp Genetics (formerly Invitae), Labcorp
Classification: Likely pathogenic for McKusick-Kaufman syndrome; Bardet-Biedl syndrome. Last evaluated: 2025-12-20. Review status: criteria provided, single submitter. Criteria: Invitae Variant Classification Sherloc (09022015). Collection method: clinical testing. Allele origin: germline.
Comment: This sequence change replaces threonine, which is neutral and polar, with methionine, which is neutral and non-polar, at codon 392 of the MKKS protein (p.Thr392Met). This variant is present in population databases (rs201183584, gnomAD 0.007%). This missense change has been observed in individual(s) with Bardet-Biedl syndrome (PMID: 28624958). In at least one individual the data is consistent with being in trans (on the opposite chromosome) from a pathogenic variant. It has also been observed to segregate with disease in related individuals. ClinVar contains an entry for this variant (Variation ID: 1475670). Invitae Evidence Modeling of protein sequence and biophysical properties (such as structural, functional, and spatial information, amino acid conservation, physicochemical variation, residue mobility, and thermodynamic stability) has been performed for this missense variant. However, the output from this modeling did not meet the statistical confidence thresholds required to predict the impact of this variant on MKKS protein function. In summary, the currently available evidence indicates that the variant is pathogenic, but additional data are needed to prove that conclusively. Therefore, this variant has been classified as Likely Pathogenic.

Literature cited by the submitters: PubMed 28624958.

NM_170784.3(MKKS):c.1175C>T (p.Thr392Met)

Gene: MKKS (MKKS centrosomal shuttling protein; minus strand). Cytogenetic location: 20p12.2.
Variant type: single nucleotide variant.
Coding change: c.1175C>T on transcript NM_170784.3 (MANE Select); coding-DNA position 1175, C replaced by T.
Protein change: p.Thr392Met; replaces threonine 392 with methionine.
Molecular consequence: missense variant. On other transcripts: non-coding transcript variant (1).
Genome position (GRCh38, 1-based): chr20:10,407,713, G>A on the plus strand (C>T on the coding strand, the complement: MKKS is on the minus strand). VCF-style: chr20-10407713-G-A. GRCh37 (hg19) VCF-style: chr20-10388361-G-A.
Other names: c.1175C>T, p.Thr392Met (NM_018848.3); short protein forms T392M.
Identifiers: ClinVar variation 1475670 (VCV001475670.6), dbSNP rs201183584, ClinGen allele CA9763534.